The following is an entry in ClinVar:

ClinVar aggregate classification (germline): Uncertain significance (1 of 4 stars; one submission).

Conditions:
Retinoblastoma (RB1). Also called: RETINOBLASTOMA, SOMATIC. Identifiers: Orphanet 790, MedGen C0035335, MeSH D012175, MONDO:0008380, OMIM 180200, HP:0009919. Disease mechanism: loss of function. Inheritance: Both sporadic and heritable forms are tested..

gnomAD v4.1: 6 of 1,506,004 alleles (0.0004%); highest among the groups gnomAD compares: Admixed American, 0.0083%; no homozygotes.

Submission:

Labcorp Genetics (formerly Invitae), Labcorp
Classification: Uncertain significance for Retinoblastoma. Last evaluated: 2025-11-11. Review status: criteria provided, single submitter. Criteria: Invitae Variant Classification Sherloc (09022015). Collection method: clinical testing. Allele origin: germline.
Comment: This variant occurs in a non-coding region of the RB1 gene. It does not change the encoded amino acid sequence of the RB1 protein. This variant is present in population databases (no rsID available, gnomAD 0.01%). This variant has not been reported in the literature in individuals affected with RB1-related conditions. ClinVar contains an entry for this variant (Variation ID: 3709774). In summary, the available evidence is currently insufficient to determine the role of this variant in disease. Therefore, it has been classified as a Variant of Uncertain Significance.

NM_000321.3(RB1):c.-45C>G

Gene: RB1 (RB transcriptional corepressor 1; plus strand). Cytogenetic location: 13q14.2.
Variant type: single nucleotide variant.
Coding change: c.-45C>G on transcript NM_000321.3 (MANE Select); 45 bases upstream of the start codon, C replaced by G.
Molecular consequence: 5 prime UTR variant.
Genome position (GRCh38, 1-based): chr13:48,303,868, C>G. VCF-style: chr13-48303868-C-G. GRCh37 (hg19) VCF-style: chr13-48878004-C-G.
Other names: c.-45C>G (NM_001407165.1, NM_001407166.1, NM_001407167.1).
Identifiers: ClinVar variation 3709774 (VCV003709774.2).